The following is an entry in ClinVar:

ClinVar aggregate classification (germline): Pathogenic. Review status: criteria provided, multiple submitters, no conflicts (2 of 4 stars). 7 submissions from 7 submitters: Pathogenic (7). Last evaluated 2025-12-30.

Conditions:
Hereditary spastic paraplegia 7 (SPG7). Also called: SPASTIC PARAPLEGIA 7, AUTOSOMAL RECESSIVE, WITH OR WITHOUT CEREBELLAR ATAXIA; Spastic paraplegia 7; Hereditary spastic paraplegia Paraplegin type; Autosomal recessive spastic paraplegia type 7; SPG7-related neurologic disorder. Identifiers: Orphanet 99013, MedGen C1846564, MONDO:0011803, OMIM 607259.

Allele frequency attached by ClinVar (database versions not stated): gnomAD 0.00001; gnomAD exomes 0.00001 and 0.00002; ExAC 0.00002; ESP Exome Variant Server 0.00008.
gnomAD v4.1: 11 of 1,613,990 alleles (0.00068%); highest among the groups gnomAD compares: Admixed American, 0.0017%; no homozygotes.

Submissions (7):

GeneDx
Classification: Pathogenic. Last evaluated: 2025-12-30. Review status: criteria provided, single submitter. Criteria: GeneDx Variant Classification Process June 2021. Collection method: clinical testing. Allele origin: germline. Affected: yes.
Comment: Nonsense variant predicted to result in protein truncation or nonsense mediated decay in a gene for which loss of function is a known mechanism of disease; Not observed at significant frequency in large population cohorts (gnomAD); This variant is associated with the following publications: (PMID: 33669240, 26374131, 23065789, 32161564, 34983064, 27535533, 32661208, 40527196, 30098094)

First Genomix Gene Laboratory, Genetic Diagnostics Department
Classification: Pathogenic for Hereditary spastic paraplegia 7. Last evaluated: 2025-09-19. Review status: criteria provided, single submitter. Criteria: ACMG Guidelines, 2015. Collection method: clinical testing. Allele origin: germline. Inheritance: Autosomal recessive inheritance. Affected: no. Observed: 1 variant allele.

Fulgent Genetics
Classification: Pathogenic for Hereditary spastic paraplegia 7. Last evaluated: 2024-05-06. Review status: criteria provided, single submitter. Criteria: ACMG Guidelines, 2015. Collection method: clinical testing. Allele origin: germline.

Labcorp Genetics (formerly Invitae), Labcorp
Classification: Pathogenic for Hereditary spastic paraplegia 7. Last evaluated: 2022-08-22. Review status: criteria provided, single submitter. Criteria: Invitae Variant Classification Sherloc (09022015). Collection method: clinical testing. Allele origin: germline.
Comment: For these reasons, this variant has been classified as Pathogenic. ClinVar contains an entry for this variant (Variation ID: 488804). This premature translational stop signal has been observed in individual(s) with hereditary spastic paraplegia (PMID: 23065789, 30098094, 32161564). This variant is present in population databases (rs138671904, gnomAD 0.003%). This sequence change creates a premature translational stop signal (p.Arg457*) in the SPG7 gene. It is expected to result in an absent or disrupted protein product. Loss-of-function variants in SPG7 are known to be pathogenic (PMID: 21623769, 22964162).

PROSPAX: an integrated multimodal progression  chart in spastic ataxias, Center for Neurology; Hertie-Institute for Clinical Brain Research
Classification: Pathogenic for Hereditary spastic paraplegia 7. Last evaluated: 2022-01-01. Review status: criteria provided, single submitter. Criteria: ACMG Guidelines, 2015. Collection method: research. Allele origin: germline. Affected: yes. Observed: 3 variant alleles, 3 compound heterozygotes.

Mayo Clinic Laboratories, Mayo Clinic
Classification: Pathogenic. Last evaluated: 2019-10-06. Review status: criteria provided, single submitter. Criteria: ACMG Guidelines, 2015. Collection method: clinical testing. Allele origin: germline. Observed: 1 variant allele.
Comment: PVS1, PS4_Moderate, PM2

Paris Brain Institute, Inserm - ICM
Classification: Pathogenic for Hereditary spastic paraplegia 7. Review status: criteria provided, single submitter. Criteria: ACMG Guidelines, 2015. Collection method: clinical testing. Allele origin: unknown. Affected: yes. Observed: 2 variant alleles.

Literature cited by the submitters: PubMed 23065789 (cited by Labcorp Genetics (formerly Invitae), Labcorp and Mayo Clinic Laboratories, Mayo Clinic); PubMed 30098094 (cited by Labcorp Genetics (formerly Invitae), Labcorp and Mayo Clinic Laboratories, Mayo Clinic); PubMed 32161564 (cited by Labcorp Genetics (formerly Invitae), Labcorp); PubMed 21623769 (cited by Labcorp Genetics (formerly Invitae), Labcorp); PubMed 22964162 (cited by Labcorp Genetics (formerly Invitae), Labcorp); PubMed 26374131 (cited by Mayo Clinic Laboratories, Mayo Clinic).

NM_003119.4(SPG7):c.1369C>T (p.Arg457Ter)

Gene: SPG7 (SPG7 matrix AAA peptidase subunit, paraplegin; plus strand). Cytogenetic location: 16q24.3.
Variant type: single nucleotide variant.
Coding change: c.1369C>T on transcript NM_003119.4 (MANE Select); coding-DNA position 1369, C replaced by T.
Protein change: p.Arg457Ter; replaces arginine 457 with a stop codon.
Molecular consequence: nonsense.
Genome position (GRCh38, 1-based): chr16:89,544,692, C>T. VCF-style: chr16-89544692-C-T. GRCh37 (hg19) VCF-style: chr16-89611100-C-T.
Other names: c.1369C>T, p.Arg457Ter (NM_001363850.1); short protein forms R457*.
Identifiers: ClinVar variation 488804 (VCV000488804.17), dbSNP rs138671904, ClinGen allele CA8244158.